The following is an entry in ClinVar:

ClinVar aggregate classification (germline): Uncertain significance (1 of 4 stars; one submission).

gnomAD v4.1: 3 of 1,611,930 alleles (0.00019%); highest among the groups gnomAD compares: Non-Finnish European, 0.00025%; no homozygotes.

Submission:

GeneDx
Classification: Uncertain significance. Last evaluated: 2024-02-08. Review status: criteria provided, single submitter. Criteria: GeneDx Variant Classification Process June 2021. Collection method: clinical testing. Allele origin: germline. Affected: yes.
Comment: Not observed at significant frequency in large population cohorts (gnomAD); In silico analysis supports that this missense variant does not alter protein structure/function; Has not been previously published as pathogenic or benign to our knowledge

NM_031844.3(HNRNPU):c.475G>C (p.Gly159Arg)

Gene: HNRNPU (heterogeneous nuclear ribonucleoprotein U; minus strand). Cytogenetic location: 1q44.
Variant type: single nucleotide variant.
Coding change: c.475G>C on transcript NM_031844.3 (MANE Select); coding-DNA position 475, G replaced by C.
Protein change: p.Gly159Arg; replaces glycine 159 with arginine.
Molecular consequence: missense variant.
Genome position (GRCh38, 1-based): chr1:244,863,833, C>G on the plus strand (G>C on the coding strand, the complement: HNRNPU is on the minus strand). VCF-style: chr1-244863833-C-G. GRCh37 (hg19) VCF-style: chr1-245027135-C-G.
Other names: c.475G>C, p.Gly159Arg (NM_004501.3); short protein forms G159R.
Identifiers: ClinVar variation 3368945 (VCV003368945.1).